The following is an entry in ClinVar:

NM_001048174.2(MUTYH):c.1446_1479del (p.Arg482fs)

Gene: MUTYH (mutY DNA glycosylase; minus strand). Cytogenetic location: 1p34.1.
Variant type: Deletion.
Coding change: c.1446_1479del on transcript NM_001048174.2 (MANE Select); coding-DNA positions 1446 to 1479, 34 bases deleted.
Protein change: p.Arg482fs; shifts the reading frame from arginine 482.
Molecular consequence: frameshift variant. On other transcripts: non-coding transcript variant (7).
Genome position (GRCh38, 1-based): chr1:45,329,393-45,329,426, 34 bases deleted; deleting any 34 consecutive bases within chr1:45,329,393-45,329,431 gives the same sequence; the c. name uses the placement nearest the transcript's 3' end. GRCh37 (hg19): chr1:45,795,070-45,795,103.
Other names: c.1467_1500del, p.Arg489fs (NM_001407087.1); c.1446_1479del, p.Arg482fs (NM_001407088.1, NM_001407089.1, NM_001048171.2 and 6 more transcripts); c.1170_1203del, p.Arg390fs (NM_001407091.1, NM_001293192.2, NM_001293196.2); c.1521_1554del, p.Arg507fs (NM_012222.3); c.1449_1482del, p.Arg483fs (NM_001048172.2, NM_001407071.1, NM_001407078.1 and 1 more transcripts); c.1530_1563del, p.Arg510fs (NM_001128425.2); c.1491_1524del, p.Arg497fs (NM_001293190.2); c.1479_1512del, p.Arg493fs (NM_001293191.2, NM_001407069.1, NM_001407077.1); and 5 more; short protein forms R483fs, R468fs, R496fs, R507fs, R510fs, R367fs, R454fs, R469fs.
Identifiers: ClinVar variation 2834935 (VCV002834935.3), dbSNP rs2523744619, ClinGen allele CA2739272327.

ClinVar aggregate classification (germline): Likely pathogenic (1 of 4 stars; one submission).

Conditions:
Familial adenomatous polyposis 2. Also called: MUTYH-related attenuated familial adenomatous polyposis; COLORECTAL ADENOMATOUS POLYPOSIS, AUTOSOMAL RECESSIVE; ADENOMAS, MULTIPLE COLORECTAL, AUTOSOMAL RECESSIVE; MYH-associated polyposis; MUTYH-associated polyposis; MUTYH Polyposis. Identifiers: Orphanet 220460, Orphanet 247798, MedGen C3272841, MONDO:0012041, OMIM 608456.

Submission:

Labcorp Genetics (formerly Invitae), Labcorp
Classification: Likely pathogenic for Familial adenomatous polyposis 2. Last evaluated: 2023-02-06. Review status: criteria provided, single submitter. Criteria: Invitae Variant Classification Sherloc (09022015). Collection method: clinical testing. Allele origin: germline.
Comment: In summary, the currently available evidence indicates that the variant is pathogenic, but additional data are needed to prove that conclusively. Therefore, this variant has been classified as Likely Pathogenic. This sequence change results in a frameshift in the MUTYH gene (p.Arg510Serfs*50). While this is not anticipated to result in nonsense mediated decay, it is expected to disrupt the last 40 amino acid(s) of the MUTYH protein and extend the protein by 9 additional amino acid residues. This variant is not present in population databases (gnomAD no frequency). This variant has not been reported in the literature in individuals affected with MUTYH-related conditions. This variant disrupts the conserved PCNA binding motif of the MUTYH protein, which has been shown to be critical for MUTYH-PCNA binding and repair efficiency (PMID: 11092888, 26377631, 11433026, 11864576). While functional studies have not been performed to directly test the effect of this variant on MUTYH protein function, this suggests that disruption of this region of the protein is causative of disease.

Literature cited by the submitters: PubMed 11092888; PubMed 26377631; PubMed 11433026; PubMed 11864576.